The following is an entry in ClinVar:

NM_001267550.2(TTN):c.12891C>A (p.Cys4297Ter)

Gene: TTN (titin; minus strand). Cytogenetic location: 2q31.2.
Variant type: single nucleotide variant.
Coding change: c.12891C>A on transcript NM_001267550.2 (MANE Select); coding-DNA position 12891, C replaced by A.
Protein change: p.Cys4297Ter; replaces cysteine 4297 with a stop codon.
Molecular consequence: nonsense. On other transcripts: intron variant (1).
Genome position (GRCh38, 1-based): chr2:178,740,342, G>T on the plus strand (C>A on the coding strand, the complement: TTN is on the minus strand). VCF-style: chr2-178740342-G-T. GRCh37 (hg19) VCF-style: chr2-179605069-G-T.
Other names: c.11940C>A, p.Cys3980Ter (NM_001256850.1); c.11802C>A, p.Cys3934Ter (NM_003319.4); c.12177C>A, p.Cys4059Ter (NM_133432.3); c.12378C>A, p.Cys4126Ter (NM_133437.4); c.10361-1982C>A (NM_133378.4); short protein forms C4059*, C4126*, C4297*, C3980*, C3934*.
Identifiers: ClinVar variation 2006858 (VCV002006858.4), dbSNP rs2530655080, ClinGen allele CA349609994.

ClinVar aggregate classification (germline): Likely pathogenic (1 of 4 stars; one submission).

Conditions:
Dilated cardiomyopathy 1G (CMD1G). Identifiers: Orphanet 154, MedGen C1858763, MONDO:0011400, OMIM 604145.
Autosomal recessive limb-girdle muscular dystrophy type 2J (LGMDR10). Also called: MUSCULAR DYSTROPHY, LIMB-GIRDLE, AUTOSOMAL RECESSIVE 10; Limb-girdle muscular dystrophy, type 2J. Identifiers: Orphanet 140922, MedGen C1837342, MONDO:0012127, OMIM 608807.

Allele frequency attached by ClinVar (database versions not stated): gnomAD exomes below 0.00001.
gnomAD v4.1: 1 of 1,613,712 alleles (0.000062%); highest among the groups gnomAD compares: Non-Finnish European, 0.000085%; no homozygotes.

Submission:

Labcorp Genetics (formerly Invitae), Labcorp
Classification: Likely pathogenic for Dilated cardiomyopathy 1G; Autosomal recessive limb-girdle muscular dystrophy type 2J. Last evaluated: 2025-03-12. Review status: criteria provided, single submitter. Criteria: Invitae Variant Classification Sherloc (09022015). Collection method: clinical testing. Allele origin: germline.
Comment: This sequence change creates a premature translational stop signal (p.Cys4297*) in the TTN gene. While this is not anticipated to result in nonsense mediated decay, it is expected to create a truncated TTN protein. This variant is not present in population databases (gnomAD no frequency). This variant has not been reported in the literature in individuals affected with TTN-related conditions. ClinVar contains an entry for this variant (Variation ID: 2006858). This variant is located in the I band of TTN (PMID: 25589632). Truncating variants in this region have been reported in individuals affected with autosomal recessive centronuclear myopathy (PMID: 23975875, internal data). Truncating variants in this region have also been identified in individuals affected with autosomal dominant dilated cardiomyopathy and/or cardio-related conditions (PMID: 27869827, 32964742, internal data). In summary, the currently available evidence indicates that the variant is pathogenic, but additional data are needed to prove that conclusively. Therefore, this variant has been classified as Likely Pathogenic.

Literature cited by the submitters: PubMed 25589632; PubMed 23975875; PubMed 27869827; PubMed 32964742.